The following is an entry in ClinVar:

ClinVar aggregate classification (germline): Uncertain significance. Review status: criteria provided, multiple submitters, no conflicts (2 of 4 stars). 2 submissions from 2 submitters: Uncertain significance (2). Last evaluated 2022-10-12.

Conditions:
Retinitis pigmentosa 12 (RP12). Also called: RP WITH OR WITHOUT PPRPE; RP WITH OR WITHOUT PRESERVED PARAARTERIOLE RETINAL PIGMENT EPITHELIUM; RETINITIS PIGMENTOSA WITH OR WITHOUT PARAARTERIOLAR PRESERVATION OF RETINAL PIGMENT EPITHELIUM. Identifiers: Orphanet 791, MedGen C1838647, MONDO:0010818, OMIM 600105.
Leber congenital amaurosis 8 (LCA8). Identifiers: Orphanet 65, MedGen C3151202, MONDO:0013453, OMIM 613835.

Allele frequency attached by ClinVar (database versions not stated): gnomAD 0.00001; gnomAD exomes 0.00001; TOPMed 0.00002.
gnomAD v4.1: 20 of 1,613,658 alleles (0.0012%); highest among the groups gnomAD compares: African/African-American, 0.0027%; no homozygotes.

Submissions (2):

Blueprint Genetics
Classification: Uncertain significance. Last evaluated: 2022-10-12. Review status: criteria provided, single submitter. Criteria: ACMG Guidelines, 2015. Collection method: clinical testing. Allele origin: germline.

Labcorp Genetics (formerly Invitae), Labcorp
Classification: Uncertain significance for Leber congenital amaurosis 8; Retinitis pigmentosa 12. Last evaluated: 2022-04-23. Review status: criteria provided, single submitter. Criteria: Invitae Variant Classification Sherloc (09022015). Collection method: clinical testing. Allele origin: germline.
Comment: This sequence change replaces aspartic acid, which is acidic and polar, with asparagine, which is neutral and polar, at codon 720 of the CRB1 protein (p.Asp720Asn). This variant is present in population databases (no rsID available, gnomAD 0.007%). This variant has not been reported in the literature in individuals affected with CRB1-related conditions. Advanced modeling of protein sequence and biophysical properties (such as structural, functional, and spatial information, amino acid conservation, physicochemical variation, residue mobility, and thermodynamic stability) performed at Invitae indicates that this missense variant is not expected to disrupt CRB1 protein function. In summary, the available evidence is currently insufficient to determine the role of this variant in disease. Therefore, it has been classified as a Variant of Uncertain Significance.

NM_201253.3(CRB1):c.2158G>A (p.Asp720Asn)

Gene: CRB1 (crumbs cell polarity complex component 1; plus strand). Cytogenetic location: 1q31.3.
Variant type: single nucleotide variant.
Coding change: c.2158G>A on transcript NM_201253.3 (MANE Select); coding-DNA position 2158, G replaced by A.
Protein change: p.Asp720Asn; replaces aspartic acid 720 with asparagine.
Molecular consequence: missense variant. On other transcripts: non-coding transcript variant (2), intron variant (1).
Genome position (GRCh38, 1-based): chr1:197,427,483, G>A. VCF-style: chr1-197427483-G-A. GRCh37 (hg19) VCF-style: chr1-197396613-G-A.
Other names: c.1822G>A, p.Asp608Asn (NM_001193640.2); c.1951G>A, p.Asp651Asn (NM_001257965.2); c.2128+5527G>A (NM_001257966.2); short protein forms D608N, D651N, D720N.
Identifiers: ClinVar variation 2199788 (VCV002199788.2), dbSNP rs1435210193, ClinGen allele CA344036407.
Genomic context (GRCh38, chr1:197,427,483, plus strand): 5'-TTTCTCCTCCTCCTCTATTTTGACATTGAAGAGTATGTGGCAGGCAGATTTGGCCAGGAT[G>A]ACTCCACTGGTTATGTCATCTTTACTCTTGATGAGAGCTATGGAGACACCATCAGCCTCT-3'
Protein context (NP_957705.1, residues 710-730): EYVAGRFGQD[Asp720Asn]STGYVIFTLD